The following is an entry in ClinVar:

ClinVar aggregate classification (germline): Likely pathogenic (0 of 4 stars; one submission).

Conditions:
Ovarian dysgenesis 1 (ODG1). Also called: Gonadal dysgenesis XX type deafness; OVARIAN DYSGENESIS, HYPERGONADOTROPIC, AUTOSOMAL RECESSIVE; OVARIAN DYSGENESIS, HYPERGONADOTROPIC, WITH NORMAL KARYOTYPE; OVARIAN FAILURE, HYPERGONADOTROPIC; GONADAL DYSGENESIS, XX TYPE. Identifiers: Orphanet 243, MedGen C0949595, MONDO:0024463, OMIM 233300.

Submission:

Juha Muilu Group; Institute for Molecular Medicine Finland (FIMM)
Classification: Likely pathogenic for Ovarian dysgenesis 1. Review status: no assertion criteria provided. Collection method: not provided. Allele origin: unknown.
Comment: FinDis database variant: This variant was not found or characterized by our laboratory, data were collected from public sources: see reference
ClinVar note: Converted during submission from probable-pathogenic to Likely pathogenic.

NM_000145.4(FSHR):c.662T>G (p.Val221Gly)

Gene: FSHR (follicle stimulating hormone receptor; minus strand). Cytogenetic location: 2p16.3.
Variant type: single nucleotide variant.
Coding change: c.662T>G on transcript NM_000145.4 (MANE Select); coding-DNA position 662, T replaced by G.
Protein change: p.Val221Gly; replaces valine 221 with glycine.
Molecular consequence: missense variant.
Genome position (GRCh38, 1-based): chr2:48,982,918, A>C on the plus strand (T>G on the coding strand, the complement: FSHR is on the minus strand). VCF-style: chr2-48982918-A-C. GRCh37 (hg19) VCF-style: chr2-49210057-A-C.
Other names: c.584T>G, p.Val195Gly (NM_181446.3); short protein forms V195G, V221G.
Identifiers: ClinVar variation 56033 (VCV000056033.2), dbSNP rs386833514, ClinGen allele CA144127.
Genomic context (GRCh38, chr2:48,982,918, plus strand): 5'-TTCTAACTTACACAAACTGAGCTCTTACACACAGAAATGGGGAAAGCTACTCACAGAATG[A>C]CTGGTCCAGAGGCTCCGTGGAAAACATCATTAGGCAATTCTTCTAAATTATTATTATCGC-3'
Protein context (NP_000136.2, residues 211-231): NDVFHGASGP[Val221Gly]ILDISRTRIH